The following is an entry in ClinVar:

ClinVar aggregate classification (germline): Uncertain significance. Review status: criteria provided, single submitter (1 of 4 stars). 2 submissions from 2 submitters: Uncertain significance (1). 1 of the submissions does not count toward it. Last evaluated 2023-09-23.

Conditions:
Hereditary breast ovarian cancer syndrome. Also called: Hereditary breast and ovarian cancer syndrome (HBOC); Hereditary breast and ovarian cancer syndrome; Hereditary breast and ovarian cancer; Hereditary breast and/or ovarian cancer syndrome; Breast and ovarian cancer; BRCA1- and BRCA2-Associated Hereditary Breast and Ovarian Cancer. Identifiers: Orphanet 145, MedGen C0677776, MeSH D061325, MONDO:0003582. Disease mechanism: loss of function.
Breast-ovarian cancer, familial, susceptibility to, 1 (BROVCA1). Also called: OVARIAN CANCER, SUSCEPTIBILITY TO; BRCA1 Hereditary Breast and Ovarian Cancer. Identifiers: Orphanet 145, MedGen C2676676, MONDO:0011450, OMIM 604370. Disease mechanism: loss of function.

Submissions (3):

Labcorp Genetics (formerly Invitae), Labcorp
Classification: Uncertain significance for Hereditary breast ovarian cancer syndrome. Last evaluated: 2023-09-23. Review status: criteria provided, single submitter. Criteria: Invitae Variant Classification Sherloc (09022015). Collection method: clinical testing. Allele origin: germline.
Comment: This sequence change replaces threonine, which is neutral and polar, with asparagine, which is neutral and polar, at codon 69 of the BRCA1 protein (p.Thr69Asn). This variant is not present in population databases (gnomAD no frequency). This variant has not been reported in the literature in individuals affected with BRCA1-related conditions. ClinVar contains an entry for this variant (Variation ID: 54450). Advanced modeling performed at Invitae incorporating data from internal and/or published experimental studies (PMID: 30209399) indicates that this missense variant is not expected to disrupt BRCA1 function. In summary, the available evidence is currently insufficient to determine the role of this variant in disease. Therefore, it has been classified as a Variant of Uncertain Significance.

Breast Cancer Information Core (BIC) (BRCA1)
Classification: Uncertain significance for Breast-ovarian cancer, familial 1. Last evaluated: 2010-02-05. Review status: no assertion criteria provided. Collection method: clinical testing. Allele origin: germline. Affected: yes. Observed: 1 variant allele. Not counted in ClinVar's aggregate classification.

Brotman Baty Institute, University of Washington
No classification provided (evidence only). Condition: Breast-ovarian cancer, familial 1. Review status: no classification provided. Collection method: in vitro. Allele origin: not applicable. Functional consequence: functionally_normal. Not counted in ClinVar's aggregate classification.
ClinVar note: "not provided" was previously submitted as the classification for the variant. However, the classification appeared to be based only on an observation of functional data so it was converted to no classification on 2025-07-30.

Literature cited by the submitters: PubMed 30209399 (cited by Labcorp Genetics (formerly Invitae), Labcorp).

NM_007294.4(BRCA1):c.206C>A (p.Thr69Asn)

Gene: BRCA1 (BRCA1 DNA repair associated; minus strand). Cytogenetic location: 17q21.31.
Variant type: single nucleotide variant.
Coding change: c.206C>A on transcript NM_007294.4 (MANE Select); coding-DNA position 206, C replaced by A.
Protein change: p.Thr69Asn; replaces threonine 69 with asparagine.
Molecular consequence: missense variant.
Genome position (GRCh38, 1-based): chr17:43,106,462, G>T on the plus strand (C>A on the coding strand, the complement: BRCA1 is on the minus strand). VCF-style: chr17-43106462-G-T. GRCh37 (hg19) VCF-style: chr17-41258479-G-T.
Other names: c.206C>A, p.Thr69Asn (NM_007298.4, NM_007299.4, NM_007300.4 and 168 more transcripts); c.65C>A, p.Thr22Asn (NM_001407692.1, NM_001407694.1, NM_001407695.1 and 99 more transcripts); short protein forms T69N, T22N.
Identifiers: ClinVar variation 54450 (VCV000054450.7), dbSNP rs273898675, ClinGen allele CA001369.
Genomic context (GRCh38, chr17:43,106,462, plus strand): 5'-TACTTTTTCCTACTGTGGTTGCTTCCAACCTAGCATCATTACCAAATTATATACCTTTTG[G>T]TTATATCATTCTTACATAAAGGACACTGTGAAGGCCCTTTCTTCTGGTTGAGAAGTTTCA-3'
Protein context (NP_009225.1, residues 59-79): SQCPLCKNDI[Thr69Asn]KRSLQESTRF